The following is an entry in ClinVar:

NM_152296.5(ATP1A3):c.2630G>A (p.Arg877Gln)

Gene: ATP1A3 (ATPase Na+/K+ transporting subunit alpha 3; minus strand). Cytogenetic location: 19q13.2.
Variant type: single nucleotide variant.
Coding change: c.2630G>A on transcript NM_152296.5 (MANE Select); coding-DNA position 2630, G replaced by A.
Protein change: p.Arg877Gln; replaces arginine 877 with glutamine.
Molecular consequence: missense variant.
Genome position (GRCh38, 1-based): chr19:41,969,493, C>T on the plus strand (G>A on the coding strand, the complement: ATP1A3 is on the minus strand). VCF-style: chr19-41969493-C-T. GRCh37 (hg19) VCF-style: chr19-42473645-C-T.
Other names: c.2663G>A, p.Arg888Gln (NM_001256213.2); c.2669G>A, p.Arg890Gln (NM_001256214.2); short protein forms R888Q, R890Q, R877Q.
Identifiers: ClinVar variation 5008557 (VCV005008557.1).

ClinVar aggregate classification (germline): Uncertain significance (1 of 4 stars; one submission).

Submission:

GeneDx
Classification: Uncertain significance. Last evaluated: 2026-03-03. Review status: criteria provided, single submitter. Criteria: GeneDx Variant Classification Process June 2021. Collection method: clinical testing. Allele origin: germline.
Comment: Not observed at significant frequency in large population cohorts (gnomAD); In silico analysis supports that this missense variant has a deleterious effect on protein structure/function; Has not been previously published as pathogenic or benign to our knowledge